The following is an entry in ClinVar:

NM_020458.4(TTC7A):c.1073G>A (p.Arg358Gln)

Gene: TTC7A (tetratricopeptide repeat domain 7A; plus strand). Cytogenetic location: 2p21.
Variant type: single nucleotide variant.
Coding change: c.1073G>A on transcript NM_020458.4 (MANE Select); coding-DNA position 1073, G replaced by A.
Protein change: p.Arg358Gln; replaces arginine 358 with glutamine.
Molecular consequence: missense variant.
Genome position (GRCh38, 1-based): chr2:47,005,929, G>A. VCF-style: chr2-47005929-G-A. GRCh37 (hg19) VCF-style: chr2-47233068-G-A.
Other names: c.1073G>A, p.Arg358Gln (NM_001288951.2); c.971G>A, p.Arg324Gln (NM_001288953.2); c.11G>A, p.Arg4Gln (NM_001288955.2); c.1073G>A (NM_020458.2); short protein forms R324Q, R358Q, R4Q.
Identifiers: ClinVar variation 1414277 (VCV001414277.4), dbSNP rs752771480, ClinGen allele CA1647489.

ClinVar aggregate classification (germline): Uncertain significance. Review status: criteria provided, multiple submitters, no conflicts (2 of 4 stars). 2 submissions from 2 submitters: Uncertain significance (2). Last evaluated 2025-11-05.

Conditions:
Multiple gastrointestinal atresias. Also called: FAMILIAL INTESTINAL POLYATRESIA SYNDROME; Multiple intestinal atresia. Identifiers: Orphanet 2300, MedGen C0220744, MONDO:0009465.
Inborn genetic diseases. Identifiers: MedGen C0950123, MeSH D030342.

Allele frequency attached by ClinVar (database versions not stated): gnomAD 0.00009; TOPMed 0.00008.
gnomAD v4.1: 28 of 1,614,110 alleles (0.0017%); highest among the groups gnomAD compares: African/African-American, 0.029%; no homozygotes.

Submissions (2):

Ambry Genetics
Classification: Uncertain significance for Inborn genetic diseases. Last evaluated: 2025-11-05. Review status: criteria provided, single submitter. Criteria: Ambry Variant Classification Scheme 2023. Collection method: clinical testing. Allele origin: germline.

Labcorp Genetics (formerly Invitae), Labcorp
Classification: Uncertain significance for Multiple gastrointestinal atresias. Last evaluated: 2021-11-01. Review status: criteria provided, single submitter. Criteria: Invitae Variant Classification Sherloc (09022015). Collection method: clinical testing. Allele origin: germline.
Comment: This sequence change replaces arginine, which is basic and polar, with glutamine, which is neutral and polar, at codon 358 of the TTC7A protein (p.Arg358Gln). This variant is present in population databases (rs752771480, gnomAD 0.04%). This variant has not been reported in the literature in individuals affected with TTC7A-related conditions. Algorithms developed to predict the effect of missense changes on protein structure and function are either unavailable or do not agree on the potential impact of this missense change (SIFT: "Deleterious"; PolyPhen-2: "Benign"; Align-GVGD: "Class C0"). In summary, the available evidence is currently insufficient to determine the role of this variant in disease. Therefore, it has been classified as a Variant of Uncertain Significance.